The following is an entry in ClinVar:

ClinVar aggregate classification (germline): Uncertain significance. Review status: criteria provided, multiple submitters, no conflicts (2 of 4 stars). 4 submissions from 4 submitters: Uncertain significance (4). Last evaluated 2024-03-06.

Conditions:
Hereditary cancer-predisposing syndrome. Also called: Neoplastic Syndromes, Hereditary; Tumor predisposition; Hereditary Cancer Syndrome; Hereditary neoplastic syndrome. Identifiers: Orphanet 140162, MedGen C0027672, MeSH D009386, MONDO:0015356.
Familial cancer of breast. Also called: BREAST CANCER, FAMILIAL; Hereditary breast cancer; hereditary breast carcinoma. Identifiers: Orphanet 227535, MedGen C0346153, MONDO:0016419, OMIM 114480. Disease mechanism: loss of function.

Submissions (4):

Color Diagnostics, LLC DBA Color Health
Classification: Uncertain significance for Hereditary cancer-predisposing syndrome. Last evaluated: 2024-03-06. Review status: criteria provided, single submitter. Criteria: ACMG Guidelines, 2015. Collection method: clinical testing. Allele origin: germline.
Comment: This missense variant replaces methionine with isoleucine at codon 1007 of the PALB2 protein. Computational prediction tool suggests that this variant may not impact protein structure and function (internally defined REVEL score threshold <=0.5, PMID: 27666373). Splice site prediction tools suggest that this variant may not impact RNA splicing. To our knowledge, functional studies have not been performed for this variant. This variant has not been reported in individuals affected with hereditary cancer in the literature. This variant has not been identified in the general population by the Genome Aggregation Database (gnomAD). The available evidence is insufficient to determine the role of this variant in disease conclusively. Therefore, this variant is classified as a Variant of Uncertain Significance.

Baylor Genetics
Classification: Uncertain significance for Familial cancer of breast. Last evaluated: 2024-02-23. Review status: criteria provided, single submitter. Criteria: ACMG Guidelines, 2015. Collection method: clinical testing. Allele origin: unknown.

Ambry Genetics
Classification: Uncertain significance for Hereditary cancer-predisposing syndrome. Last evaluated: 2023-03-11. Review status: criteria provided, single submitter. Criteria: Ambry Variant Classification Scheme 2023. Collection method: clinical testing. Allele origin: germline.
Comment: The p.M1007I variant (also known as c.3021G>T), located in coding exon 10 of the PALB2 gene, results from a G to T substitution at nucleotide position 3021. The methionine at codon 1007 is replaced by isoleucine, an amino acid with highly similar properties. This amino acid position is conserved. In addition, this alteration is predicted to be tolerated by in silico analysis. Since supporting evidence is limited at this time, the clinical significance of this alteration remains unclear.

Labcorp Genetics (formerly Invitae), Labcorp
Classification: Uncertain significance for Familial cancer of breast. Last evaluated: 2020-12-19. Review status: criteria provided, single submitter. Criteria: Invitae Variant Classification Sherloc (09022015). Collection method: clinical testing. Allele origin: germline.
Comment: In summary, the available evidence is currently insufficient to determine the role of this variant in disease. Therefore, it has been classified as a Variant of Uncertain Significance. Algorithms developed to predict the effect of missense changes on protein structure and function are either unavailable or do not agree on the potential impact of this missense change (SIFT: "Tolerated"; PolyPhen-2: "Probably Damaging"; Align-GVGD: "Class C0"). This variant has not been reported in the literature in individuals with PALB2-related conditions. ClinVar contains an entry for this variant (Variation ID: 921102). This variant is not present in population databases (ExAC no frequency). This sequence change replaces methionine with isoleucine at codon 1007 of the PALB2 protein (p.Met1007Ile). The methionine residue is highly conserved and there is a small physicochemical difference between methionine and isoleucine.

NM_024675.4(PALB2):c.3021G>T (p.Met1007Ile)

Gene: PALB2 (partner and localizer of BRCA2; minus strand). Cytogenetic location: 16p12.2.
Variant type: single nucleotide variant.
Coding change: c.3021G>T on transcript NM_024675.4 (MANE Select); coding-DNA position 3021, G replaced by T.
Protein change: p.Met1007Ile; replaces methionine 1007 with isoleucine.
Molecular consequence: missense variant.
Genome position (GRCh38, 1-based): chr16:23,621,454, C>A on the plus strand (G>T on the coding strand, the complement: PALB2 is on the minus strand). VCF-style: chr16-23621454-C-A. GRCh37 (hg19) VCF-style: chr16-23632775-C-A.
Other names: short protein forms M1007I.
Identifiers: ClinVar variation 921102 (VCV000921102.15), dbSNP rs1443207976, ClinGen allele CA395143118.